The following is an entry in ClinVar:

NM_001379451.1(BCORL1):c.4078G>T (p.Asp1360Tyr)

Gene: BCORL1 (BCL6 corepressor like 1; plus strand). Cytogenetic location: Xq26.1.
Variant type: single nucleotide variant.
Coding change: c.4078G>T on transcript NM_001379451.1 (MANE Select); coding-DNA position 4078, G replaced by T.
Protein change: p.Asp1360Tyr; replaces aspartic acid 1360 with tyrosine.
Molecular consequence: missense variant. On other transcripts: intron variant (4).
Genome position (GRCh38, 1-based): chrX:130,025,379, G>T. VCF-style: chrX-130025379-G-T. GRCh37 (hg19) VCF-style: chrX-129159354-G-T.
Other names: c.4078G>T, p.Asp1360Tyr (NM_001184772.3, NM_001379450.1, NM_001441326.1 and 3 more transcripts); c.3688+2402G>T (NM_001441329.1, NM_001441331.1, NM_001441330.1 and 1 more transcripts); short protein forms D1360Y.
Identifiers: ClinVar variation 4685020 (VCV004685020.1).

ClinVar aggregate classification (germline): Uncertain significance (1 of 4 stars; one submission).

Submission:

GeneDx
Classification: Uncertain significance. Last evaluated: 2025-07-10. Review status: criteria provided, single submitter. Criteria: GeneDx Variant Classification Process June 2021. Collection method: clinical testing. Allele origin: germline. Affected: yes.
Comment: Not observed at significant frequency in large population cohorts (gnomAD); In silico analysis supports that this missense variant has a deleterious effect on protein structure/function; In silico analysis supports a deleterious effect on splicing; Has not been previously published as pathogenic or benign to our knowledge